The following is an entry in ClinVar:

NM_024598.4(USB1):c.65T>A (p.Met22Lys)

Genes: USB1 (U6 snRNA biogenesis phosphodiesterase 1; plus strand), LOC130059131 (ATAC-STARR-seq lymphoblastoid active region 10920; plus strand). Cytogenetic location: 16q21.
Variant type: single nucleotide variant.
Coding change: c.65T>A on transcript NM_024598.4 (MANE Select); coding-DNA position 65, T replaced by A.
Protein change: p.Met22Lys; replaces methionine 22 with lysine.
Molecular consequence: missense variant. On other transcripts: intron variant (1).
Genome position (GRCh38, 1-based): chr16:58,001,548, T>A. VCF-style: chr16-58001548-T-A. GRCh37 (hg19) VCF-style: chr16-58035452-T-A.
Other names: c.65T>A, p.Met22Lys (NM_001195302.2, NM_001204911.2, NM_001330569.2); c.-55-931T>A (NM_001330568.2); short protein forms M22K.
Identifiers: ClinVar variation 3466462 (VCV003466462.1).

ClinVar aggregate classification (germline): Uncertain significance (1 of 4 stars; one submission).

Conditions:
Inborn genetic diseases. Identifiers: MedGen C0950123, MeSH D030342.

gnomAD v4.1: 3 of 1,609,556 alleles (0.00019%); highest among the groups gnomAD compares: Middle Eastern, 0.033%; no homozygotes.

Submission:

Ambry Genetics
Classification: Uncertain significance for Inborn genetic diseases. Last evaluated: 2024-11-18. Review status: criteria provided, single submitter. Criteria: Ambry Variant Classification Scheme 2023. Collection method: clinical testing. Allele origin: germline.
Comment: The p.M22K variant (also known as c.65T>A), located in coding exon 1 of the USB1 gene, results from a T to A substitution at nucleotide position 65. The methionine at codon 22 is replaced by lysine, an amino acid with similar properties. This amino acid position is conserved. In addition, this alteration is predicted to be tolerated by in silico analysis. Based on the available evidence, the clinical significance of this variant remains unclear.